The following is an entry in ClinVar:

NM_001040108.2(MLH3):c.877A>C (p.Ser293Arg)

Gene: MLH3 (mutL homolog 3; minus strand). Cytogenetic location: 14q24.3.
Variant type: single nucleotide variant.
Coding change: c.877A>C on transcript NM_001040108.2 (MANE Select); coding-DNA position 877, A replaced by C.
Protein change: p.Ser293Arg; replaces serine 293 with arginine.
Molecular consequence: missense variant.
Genome position (GRCh38, 1-based): chr14:75,048,779, T>G on the plus strand (A>C on the coding strand, the complement: MLH3 is on the minus strand). VCF-style: chr14-75048779-T-G. GRCh37 (hg19) VCF-style: chr14-75515482-T-G.
Other names: c.877A>C, p.Ser293Arg (NM_014381.3); short protein forms S293R.
Identifiers: ClinVar variation 3295139 (VCV003295139.1).
Genomic context (GRCh38, chr14:75,048,779, plus strand): 5'-GGCACTGCACATTAATTACATATATGCCATAGAGTTCTGGGGTAGACCGGTGCCGAAGAC[T>G]TGAATTCATTTGCCTACTGGTGGGACCATTCTTTGGCTTGCATATAATACTTTCTTTCCT-3'
Protein context (NP_001035197.1, residues 283-303): NGPTSRQMNS[Ser293Arg]LRHRSTPELY

ClinVar aggregate classification (germline): Uncertain significance (1 of 4 stars; one submission).

Submission:

Ambry Genetics
Classification: Uncertain significance. Last evaluated: 2024-05-10. Review status: criteria provided, single submitter. Criteria: Ambry Variant Classification Scheme 2023. Collection method: clinical testing. Allele origin: germline.
Comment: The p.S293R variant (also known as c.877A>C), located in coding exon 1 of the MLH3 gene, results from an A to C substitution at nucleotide position 877. The serine at codon 293 is replaced by arginine, an amino acid with dissimilar properties. This amino acid position is conserved. In addition, the in silico prediction for this alteration is inconclusive. Based on the available evidence, the clinical significance of this variant remains unclear.